The following is an entry in ClinVar:

NM_001035.3(RYR2):c.11092-6A>T

Gene: RYR2 (ryanodine receptor 2; plus strand). Cytogenetic location: 1q43.
Variant type: single nucleotide variant.
Coding change: c.11092-6A>T on transcript NM_001035.3 (MANE Select); 6 bases into the intron before coding-DNA position 11092, A replaced by T.
Molecular consequence: intron variant.
Genome position (GRCh38, 1-based): chr1:237,742,290, A>T. VCF-style: chr1-237742290-A-T. GRCh37 (hg19) VCF-style: chr1-237905590-A-T.
Identifiers: ClinVar variation 43705 (VCV000043705.25), dbSNP rs397516501, ClinGen allele CA006880.
Genomic context (GRCh38, chr1:237,742,290, plus strand): 5'-TTCTTTTGCACTTTCTAAAATCTCAACATATTCCTGTCTCCTTTTTTTTTTTTTTTAAAT[A>T]TACAGAGTTGTCATGATGAGGAAGATGACGATGGTGAAGAGGAAGTGAAGAGTTTTGAAG-3'

ClinVar aggregate classification (germline): Conflicting classifications of pathogenicity. Review status: criteria provided, conflicting classifications (1 of 4 stars). 7 submissions from 7 submitters: Uncertain significance (1); Benign (1); Likely benign (5). Last evaluated 2026-01-13.

Conditions:
Cardiomyopathy (CMYO). Also called: Cardiomyopathies. Identifiers: Orphanet 167848, MedGen C0878544, MONDO:0004994, HP:0001638. Inheritance: Various modes of inheritance.
Catecholaminergic polymorphic ventricular tachycardia 1. Also called: VENTRICULAR TACHYCARDIA, STRESS-INDUCED POLYMORPHIC 1; VENTRICULAR TACHYCARDIA, CATECHOLAMINERGIC POLYMORPHIC, 1, WITH OR WITHOUT ATRIAL DYSFUNCTION AND/OR DILATED CARDIOMYOPATHY; RYR2-Related Catecholaminergic Polymorphic Ventricular Tachycardia. Identifiers: Orphanet 3286, MedGen C1631597, MONDO:0011484, OMIM 604772.
Catecholaminergic polymorphic ventricular tachycardia (CVPT). Also called: Catecholamine-induced polymorphic ventricular tachycardia. Identifiers: Orphanet 3286, MedGen C5574922, MONDO:0017990.

Allele frequency attached by ClinVar (database versions not stated): ExAC below 0.00001; gnomAD exomes 0.00003; gnomAD 0.00028 and 0.00031.
gnomAD v4.1: 73 of 1,516,312 alleles (0.0048%); highest among the groups gnomAD compares: African/African-American, 0.092%; 1 homozygote.

Submissions (7):

Labcorp Genetics (formerly Invitae), Labcorp
Classification: Likely benign for Catecholaminergic polymorphic ventricular tachycardia 1. Last evaluated: 2026-01-13. Review status: criteria provided, single submitter. Criteria: Invitae Variant Classification Sherloc (09022015). Collection method: clinical testing. Allele origin: germline.

Women's Health and Genetics/Laboratory Corporation of America, LabCorp
Classification: Likely benign. Last evaluated: 2025-04-29. Review status: criteria provided, single submitter. Criteria: LabCorp Variant Classification Summary - May 2015. Collection method: clinical testing. Allele origin: germline.

All of Us Research Program, National Institutes of Health
Classification: Likely benign for Catecholaminergic polymorphic ventricular tachycardia. Last evaluated: 2024-02-05. Review status: criteria provided, single submitter. Criteria: ACMG Guidelines, 2015. Collection method: clinical testing. Allele origin: germline. Inheritance: Autosomal dominant inheritance. Observed: 24 variant alleles, 24 heterozygotes.
Comment: This study involves interpretation of variants in research participants for the purpose of population health screening. Participant phenotype was not available at the time of variant classification. Additional details can be found in publication PMID: 35346344, PMCID: PMC8962531

ARUP Laboratories, Molecular Genetics and Genomics, ARUP Laboratories
Classification: Likely benign. Last evaluated: 2023-12-14. Review status: criteria provided, single submitter. Criteria: ARUP Molecular Germline Variant Investigation Process 2024. Collection method: clinical testing. Allele origin: germline.

Color Diagnostics, LLC DBA Color Health
Classification: Likely benign for Cardiomyopathy. Last evaluated: 2018-10-16. Review status: criteria provided, single submitter. Criteria: ACMG Guidelines, 2015. Collection method: clinical testing. Allele origin: germline.

Laboratory for Molecular Medicine, Mass General Brigham Personalized Medicine
Classification: Uncertain significance. Last evaluated: 2018-04-10. Review status: criteria provided, single submitter. Criteria: LMM Criteria. Collection method: clinical testing. Allele origin: germline. Observed: 2 variant alleles.
Comment: proposed classification - variant undergoing re-assessment, contact laboratory

GeneDx
Classification: Benign. Last evaluated: 2016-04-14. Review status: criteria provided, single submitter. Criteria: GeneDx Variant Classification Process June 2021. Collection method: clinical testing. Allele origin: germline. Affected: yes.